The following is an entry in ClinVar:

NM_020529.3(NFKBIA):c.373G>C (p.Glu125Gln)

Genes: NFKBIA (NFKB inhibitor alpha; minus strand), LOC130055494 (ATAC-STARR-seq lymphoblastoid active region 8276; plus strand). Cytogenetic location: 14q13.2.
Variant type: single nucleotide variant.
Coding change: c.373G>C on transcript NM_020529.3 (MANE Select); coding-DNA position 373, G replaced by C.
Protein change: p.Glu125Gln; replaces glutamic acid 125 with glutamine.
Molecular consequence: missense variant.
Genome position (GRCh38, 1-based): chr14:35,403,324, C>G on the plus strand (G>C on the coding strand, the complement: NFKBIA is on the minus strand). VCF-style: chr14-35403324-C-G. GRCh37 (hg19) VCF-style: chr14-35872530-C-G.
Other names: short protein forms E125Q.
Identifiers: ClinVar variation 2920041 (VCV002920041.3), dbSNP rs2502184406, ClinGen allele CA389453674.
Genomic context (GRCh38, chr14:35,403,324, plus strand): 5'-TTCCTCGAAAGTCTCGGAGCTCAGGATCACAGCCAGCTCCCAGAAGTGCCTCAGCAATTT[C>G]TGGCTGGTTGGTGATCACAGCCAAGTGGAGTGGAGTCTACGAATGCAAGAGAGACCAGAG-3'
Protein context (NP_065390.1, residues 115-135): LHLAVITNQP[Glu125Gln]IAEALLGAGC

ClinVar aggregate classification (germline): Uncertain significance (1 of 4 stars; one submission).

Conditions:
Ectodermal dysplasia and immunodeficiency 2. Identifiers: Orphanet 238468, Orphanet 98813, MedGen C2677481, MONDO:0012806, OMIM 612132.

Allele frequency attached by ClinVar (database versions not stated): gnomAD exomes below 0.00001.

Submission:

Labcorp Genetics (formerly Invitae), Labcorp
Classification: Uncertain significance for Ectodermal dysplasia and immunodeficiency 2. Last evaluated: 2024-08-07. Review status: criteria provided, single submitter. Criteria: Invitae Variant Classification Sherloc (09022015). Collection method: clinical testing. Allele origin: germline.
Comment: This sequence change replaces glutamic acid, which is acidic and polar, with glutamine, which is neutral and polar, at codon 125 of the NFKBIA protein (p.Glu125Gln). This variant is not present in population databases (gnomAD no frequency). This variant has not been reported in the literature in individuals affected with NFKBIA-related conditions. An algorithm developed to predict the effect of missense changes on protein structure and function (PolyPhen-2) suggests that this variant is likely to be tolerated. In summary, the available evidence is currently insufficient to determine the role of this variant in disease. Therefore, it has been classified as a Variant of Uncertain Significance.